The following is an entry in ClinVar:

ClinVar aggregate classification (germline): Uncertain significance. Review status: criteria provided, multiple submitters, no conflicts (2 of 4 stars). 2 submissions from 2 submitters: Uncertain significance (2). Last evaluated 2026-04-09.

Conditions:
TJP2-related disorder. Also called: TJP2-related condition.

Allele frequency attached by ClinVar (database versions not stated): gnomAD exomes 0.00003; gnomAD 0.00006 and 0.00007; ESP Exome Variant Server 0.00008; TOPMed 0.00010.
gnomAD v4.1: 19 of 1,551,878 alleles (0.0012%); highest among the groups gnomAD compares: African/African-American, 0.015%; no homozygotes.

Submissions (2):

PreventionGenetics, part of Exact Sciences
Classification: Uncertain significance for TJP2-related condition. Last evaluated: 2026-04-09. Review status: criteria provided, single submitter. Criteria: ACMG Guidelines, 2015. Collection method: clinical testing. Allele origin: germline.
Comment: The TJP2 c.23G>C variant is predicted to result in the amino acid substitution p.Gly8Ala. To our knowledge, this variant has not been reported in the literature. This variant is reported in 0.023% of alleles in individuals of African descent in gnomAD. At this time, the clinical significance of this variant is uncertain due to the absence of conclusive functional and genetic evidence.

Labcorp Genetics (formerly Invitae), Labcorp
Classification: Uncertain significance. Last evaluated: 2021-06-10. Review status: criteria provided, single submitter. Criteria: Invitae Variant Classification Sherloc (09022015). Collection method: clinical testing. Allele origin: germline.
Comment: This sequence change replaces glycine with alanine at codon 8 of the TJP2 protein (p.Gly8Ala). The glycine residue is weakly conserved and there is a small physicochemical difference between glycine and alanine. In summary, the available evidence is currently insufficient to determine the role of this variant in disease. Therefore, it has been classified as a Variant of Uncertain Significance. Algorithms developed to predict the effect of missense changes on protein structure and function (SIFT, PolyPhen-2, Align-GVGD) all suggest that this variant is likely to be tolerated, but these predictions have not been confirmed by published functional studies and their clinical significance is uncertain. This variant has not been reported in the literature in individuals with TJP2-related conditions. The frequency data for this variant in the population databases is considered unreliable, as metrics indicate poor data quality at this position in the ExAC database.

NM_004817.4(TJP2):c.23G>C (p.Gly8Ala)

Gene: TJP2 (tight junction protein 2; plus strand). Cytogenetic location: 9q21.11.
Variant type: single nucleotide variant.
Coding change: c.23G>C on transcript NM_004817.4 (MANE Select); coding-DNA position 23, G replaced by C.
Protein change: p.Gly8Ala; replaces glycine 8 with alanine.
Molecular consequence: missense variant. On other transcripts: intron variant (3).
Genome position (GRCh38, 1-based): chr9:69,174,395, G>C. VCF-style: chr9-69174395-G-C. GRCh37 (hg19) VCF-style: chr9-71789311-G-C.
Other names: c.23G>C, p.Gly8Ala (NM_001369872.1, NM_001369873.1, NM_201629.3); c.-10+22624G>C (NM_001170414.2, NM_001369870.1); c.-127-10692G>C (NM_001369871.1); c.23G>C (NM_004817.3); short protein forms G8A.
Identifiers: ClinVar variation 1476257 (VCV001476257.9), dbSNP rs373291069, ClinGen allele CA5072848.